The following is an entry in ClinVar:

ClinVar aggregate classification (germline): Uncertain significance. Review status: criteria provided, multiple submitters, no conflicts (2 of 4 stars). 3 submissions from 3 submitters: Uncertain significance (3). Last evaluated 2026-01-11.

Allele frequency attached by ClinVar (database versions not stated): gnomAD exomes 0.00001 and 0.00002; ExAC 0.00002; TOPMed 0.00002; gnomAD 0.00004 and 0.00005.
gnomAD v4.1: 22 of 1,612,654 alleles (0.0014%); highest among the groups gnomAD compares: East Asian, 0.0089%; no homozygotes.

Submissions (3):

Labcorp Genetics (formerly Invitae), Labcorp
Classification: Uncertain significance. Last evaluated: 2026-01-11. Review status: criteria provided, single submitter. Criteria: Invitae Variant Classification Sherloc (09022015). Collection method: clinical testing. Allele origin: germline.
Comment: This sequence change replaces aspartic acid, which is acidic and polar, with asparagine, which is neutral and polar, at codon 2042 of the KMT2A protein (p.Asp2042Asn). This variant is present in population databases (rs781848142, gnomAD 0.02%). This variant has not been reported in the literature in individuals affected with KMT2A-related conditions. ClinVar contains an entry for this variant (Variation ID: 1043334). Invitae Evidence Modeling of protein sequence and biophysical properties (such as structural, functional, and spatial information, amino acid conservation, physicochemical variation, residue mobility, and thermodynamic stability) indicates that this missense variant is not expected to disrupt KMT2A protein function with a negative predictive value of 95%. In summary, the available evidence is currently insufficient to determine the role of this variant in disease. Therefore, it has been classified as a Variant of Uncertain Significance.

Women's Health and Genetics/Laboratory Corporation of America, LabCorp
Classification: Uncertain significance. Last evaluated: 2025-08-19. Review status: criteria provided, single submitter. Criteria: LabCorp Variant Classification Summary - May 2015. Collection method: clinical testing. Allele origin: germline.
Comment: Variant summary: KMT2A c.6124G>A (p.Asp2042Asn) results in a conservative amino acid change in the encoded protein sequence. Algorithms developed to predict the effect of missense changes on protein structure and function are either unavailable or do not agree on the potential impact of this missense change. The variant allele was found at a frequency of 1.6e-05 in 251406 control chromosomes, predominantly at a frequency of 0.00016 within the East Asian subpopulation in the gnomAD database. The available data on variant occurrences in the general population are insufficient to allow any conclusion about variant significance. To our knowledge, no occurrence of c.6124G>A in individuals affected with Wiedemann-Steiner Syndrome and no experimental evidence demonstrating its impact on protein function have been reported. ClinVar contains an entry for this variant (Variation ID: 1043334). Based on the evidence outlined above, the variant was classified as uncertain significance.

GeneDx
Classification: Uncertain significance. Last evaluated: 2023-01-04. Review status: criteria provided, single submitter. Criteria: GeneDx Variant Classification Process June 2021. Collection method: clinical testing. Allele origin: germline. Affected: yes.
Comment: In silico analysis supports that this missense variant has a deleterious effect on protein structure/function; Has not been previously published as pathogenic or benign to our knowledge

NM_001197104.2(KMT2A):c.6124G>A (p.Asp2042Asn)

Gene: KMT2A (lysine methyltransferase 2A; plus strand). Cytogenetic location: 11q23.3.
Variant type: single nucleotide variant.
Coding change: c.6124G>A on transcript NM_001197104.2 (MANE Select); coding-DNA position 6124, G replaced by A.
Protein change: p.Asp2042Asn; replaces aspartic acid 2042 with asparagine.
Molecular consequence: missense variant.
Genome position (GRCh38, 1-based): chr11:118,499,879, G>A. VCF-style: chr11-118499879-G-A. GRCh37 (hg19) VCF-style: chr11-118370594-G-A.
Other names: c.6124G>A (NM_001197104.1); c.6115G>A, p.Asp2039Asn (NM_005933.4); short protein forms D2039N, D2042N.
Identifiers: ClinVar variation 1043334 (VCV001043334.11), dbSNP rs781848142, ClinGen allele CA6304184.
Genomic context (GRCh38, chr11:118,499,879, plus strand): 5'-TTCTTTCCTTGGTCAGGGTCTATGACAATCGACTGCTTAGGAATTCTAAATGATCTCTCC[G>A]ACTGTGAAGATAAGCTCTTTCCTATTGGATATCAGTAAGTAGCACTATAAAGAGAAGAGA-3'
Protein context (NP_001184033.1, residues 2032-2052): DCLGILNDLS[Asp2042Asn]CEDKLFPIGY